The following is an entry in ClinVar:

NM_001277115.2(DNAH11):c.692+5G>A

Gene: DNAH11 (dynein axonemal heavy chain 11; plus strand). Cytogenetic location: 7p15.3.
Variant type: single nucleotide variant.
Coding change: c.692+5G>A on transcript NM_001277115.2 (MANE Select); 5 bases into the intron after coding-DNA position 692, G replaced by A.
Molecular consequence: intron variant.
Genome position (GRCh38, 1-based): chr7:21,559,003, G>A. VCF-style: chr7-21559003-G-A. GRCh37 (hg19) VCF-style: chr7-21598621-G-A.
Other names: NC_000007.13:g.21598621G>A; c.692+5G>A (NM_001277115.1).
Identifiers: ClinVar variation 4336084 (VCV004336084.2).
Genomic context (GRCh38, chr7:21,559,003, plus strand): 5'-CCAATTCCCACTGTTGCAGGAAAGATGGATCTGGATCAGAATTGTTCAGAGAACAAGTAC[G>A]TAACAGTACAATATATACAGGATATTAAAGTAGAGAGCCAGGCCAGCACGGTGGCTCATG-3'

ClinVar aggregate classification (germline): Uncertain significance (1 of 4 stars; one submission).

Conditions:
DNAH11-related disorder. Also called: DNAH11-related condition.

gnomAD v4.1: 45 of 1,563,962 alleles (0.0029%); highest among the groups gnomAD compares: African/African-American, 0.0054%; no homozygotes.

Submissions (2):

PreventionGenetics, part of Exact Sciences
Classification: Uncertain significance for DNAH11-related condition. Last evaluated: 2026-03-17. Review status: criteria provided, single submitter. Criteria: ACMG Guidelines, 2015. Collection method: clinical testing. Allele origin: germline.
Comment: The DNAH11 c.692+5G>A variant is predicted to interfere with splicing. This variant is predicted to alter splicing based on available splicing prediction programs (SpliceAI, Jaganathan et al. 2019. PubMed ID: 30661751). However, the use of computer prediction programs is not equivalent to functional evidence. To our knowledge, this variant has not been reported in the literature. This variant is reported in 0.011% of alleles in individuals of African descent in gnomAD. At this time, the clinical significance of this variant is uncertain due to the absence of conclusive functional and genetic evidence.

Dr. Peter K. Rogan Lab, Western University
No classification provided (evidence only). Condition: Uterine corpus endometrial carcinoma. Review status: no classification provided. Collection method: in vitro. Allele origin: not applicable. Functional consequence: retained intron. Not counted in ClinVar's aggregate classification.